The following is an entry in ClinVar:

NM_000361.3(THBD):c.877G>A (p.Glu293Lys)

Gene: THBD (thrombomodulin; minus strand). Cytogenetic location: 20p11.21.
Variant type: single nucleotide variant.
Coding change: c.877G>A on transcript NM_000361.3 (MANE Select); coding-DNA position 877, G replaced by A.
Protein change: p.Glu293Lys; replaces glutamic acid 293 with lysine.
Molecular consequence: missense variant.
Genome position (GRCh38, 1-based): chr20:23,048,628, C>T on the plus strand (G>A on the coding strand, the complement: THBD is on the minus strand). VCF-style: chr20-23048628-C-T. GRCh37 (hg19) VCF-style: chr20-23029265-C-T.
Other names: short protein forms E293K.
Identifiers: ClinVar variation 2854504 (VCV002854504.3), dbSNP rs765071586, ClinGen allele CA408406758.

ClinVar aggregate classification (germline): Uncertain significance (1 of 4 stars; one submission).

Submission:

Labcorp Genetics (formerly Invitae), Labcorp
Classification: Uncertain significance. Last evaluated: 2023-04-09. Review status: criteria provided, single submitter. Criteria: Invitae Variant Classification Sherloc (09022015). Collection method: clinical testing. Allele origin: germline.
Comment: This sequence change replaces glutamic acid, which is acidic and polar, with lysine, which is basic and polar, at codon 293 of the THBD protein (p.Glu293Lys). This variant is not present in population databases (gnomAD no frequency). This variant has not been reported in the literature in individuals affected with THBD-related conditions. Advanced modeling of protein sequence and biophysical properties (such as structural, functional, and spatial information, amino acid conservation, physicochemical variation, residue mobility, and thermodynamic stability) performed at Invitae indicates that this missense variant is not expected to disrupt THBD protein function. In summary, the available evidence is currently insufficient to determine the role of this variant in disease. Therefore, it has been classified as a Variant of Uncertain Significance.